The following is an entry in ClinVar:

NM_181783.4(TMTC3):c.1123G>A (p.Glu375Lys)

Gene: TMTC3 (transmembrane O-mannosyltransferase targeting cadherins 3; plus strand). Cytogenetic location: 12q21.32.
Variant type: single nucleotide variant.
Coding change: c.1123G>A on transcript NM_181783.4 (MANE Select); coding-DNA position 1123, G replaced by A.
Protein change: p.Glu375Lys; replaces glutamic acid 375 with lysine.
Molecular consequence: missense variant. On other transcripts: non-coding transcript variant (1).
Genome position (GRCh38, 1-based): chr12:88,172,669, G>A. VCF-style: chr12-88172669-G-A. GRCh37 (hg19) VCF-style: chr12-88566446-G-A.
Other names: c.943G>A, p.Glu315Lys (NM_001366574.1); c.904G>A, p.Glu302Lys (NM_001366579.1); c.856G>A, p.Glu286Lys (NM_001366580.1); c.430G>A, p.Glu144Lys (NM_001366583.1); short protein forms E375K, E144K, E286K, E315K, E302K.
Identifiers: ClinVar variation 4762967 (VCV004762967.1).

ClinVar aggregate classification (germline): Uncertain significance (1 of 4 stars; one submission).

gnomAD v4.1: 2 of 1,587,178 alleles (0.00013%); highest among the groups gnomAD compares: South Asian, 0.0012%; no homozygotes.

Submission:

Labcorp Genetics (formerly Invitae), Labcorp
Classification: Uncertain significance. Last evaluated: 2025-10-09. Review status: criteria provided, single submitter. Criteria: Invitae Variant Classification Sherloc (09022015). Collection method: clinical testing. Allele origin: germline.
Comment: This sequence change replaces glutamic acid, which is acidic and polar, with lysine, which is basic and polar, at codon 375 of the TMTC3 protein (p.Glu375Lys). This variant is present in population databases (rs750602559, gnomAD 0.003%). This missense change has been observed in individual(s) with TMTC3-related conditons (PMID: 32973946). In at least one individual the data is consistent with being in trans (on the opposite chromosome) from a pathogenic variant. An algorithm developed to predict the effect of missense changes on protein structure and function (PolyPhen-2) suggests that this variant is likely to be disruptive. In summary, the available evidence is currently insufficient to determine the role of this variant in disease. Therefore, it has been classified as a Variant of Uncertain Significance.

Literature cited by the submitters: PubMed 32973946.